The following is an entry in ClinVar:

ClinVar aggregate classification (germline): Uncertain significance (1 of 4 stars; one submission).

gnomAD v4.1: 1 of 1,614,200 alleles (0.000062%); highest among the groups gnomAD compares: Non-Finnish European, 0.000085%; no homozygotes.

Submission:

Labcorp Genetics (formerly Invitae), Labcorp
Classification: Uncertain significance. Last evaluated: 2021-10-12. Review status: criteria provided, single submitter. Criteria: Invitae Variant Classification Sherloc (09022015). Collection method: clinical testing. Allele origin: germline.
Comment: This variant is not present in population databases (ExAC no frequency). This variant has not been reported in the literature in individuals affected with TUBA8-related conditions. Algorithms developed to predict the effect of missense changes on protein structure and function (SIFT, PolyPhen-2, Align-GVGD) all suggest that this variant is likely to be tolerated. In summary, the available evidence is currently insufficient to determine the role of this variant in disease. Therefore, it has been classified as a Variant of Uncertain Significance. This sequence change replaces phenylalanine with leucine at codon 36 of the TUBA8 protein (p.Phe36Leu). The phenylalanine residue is highly conserved and there is a small physicochemical difference between phenylalanine and leucine.

NM_018943.3(TUBA8):c.108T>A (p.Phe36Leu)

Gene: TUBA8 (tubulin alpha 8; plus strand). Cytogenetic location: 22q11.21.
Variant type: single nucleotide variant.
Coding change: c.108T>A on transcript NM_018943.3 (MANE Select); coding-DNA position 108, T replaced by A.
Protein change: p.Phe36Leu; replaces phenylalanine 36 with leucine.
Molecular consequence: missense variant. On other transcripts: 5 prime UTR variant (1).
Genome position (GRCh38, 1-based): chr22:18,121,583, T>A. VCF-style: chr22-18121583-T-A. GRCh37 (hg19) VCF-style: chr22-18604350-T-A.
Other names: c.-91T>A (NM_001193414.2); short protein forms F36L.
Identifiers: ClinVar variation 1435271 (VCV001435271.6), dbSNP rs2123699850, ClinGen allele CA410261560.
Genomic context (GRCh38, chr22:18,121,583, plus strand): 5'-TGGCAATGCCTGCTGGGAGCTCTTCTGCCTGGAACACGGCATCCAGGCAGACGGCACTTT[T>A]GATGCTCAAGCTAGCAAGATCAACGATGATGACTCCTTCACCACCTTTTTCAGCGAGACT-3'
Protein context (NP_061816.1, residues 26-46): LEHGIQADGT[Phe36Leu]DAQASKINDD